The following is an entry in ClinVar:

ClinVar aggregate classification (germline): Uncertain significance; drug response. Review status: no assertion criteria provided (0 of 4 stars). 2 submissions from 2 submitters: Uncertain significance (1). Last evaluated 2024-01-03.

Conditions:
Tramadol response. Also called: Ultram response. Identifiers: MedGen CN078023.
ABCB1-related disorder. Also called: ABCB1-related condition.

Allele frequency attached by ClinVar (database versions not stated): ExAC 0.00002; TOPMed 0.00005.
gnomAD v4.1: 117 of 1,613,924 alleles (0.0072%); highest among the groups gnomAD compares: South Asian, 0.015%; no homozygotes.

Submissions (2):

PreventionGenetics, part of Exact Sciences
Classification: Uncertain significance for ABCB1-related condition. Last evaluated: 2024-01-03. Review status: no assertion criteria provided. Collection method: clinical testing. Allele origin: germline.
Comment: The ABCB1 c.521G>A variant is predicted to result in the amino acid substitution p.Arg174Gln. To our knowledge, this variant has not been reported in the literature. This variant is reported in 0.015% of alleles in individuals of European (Non-Finnish) descent in gnomAD. At this time, the clinical significance of this variant is uncertain due to the absence of conclusive functional and genetic evidence.

Bruce Budowle Laboratory, University of North Texas Health Science Center
Classification: drug response for Tramadol response. Last evaluated: 2018-04-28. Review status: no assertion criteria provided. Collection method: research. Allele origin: somatic. Affected: yes. Observed: 197 variant alleles.

NM_001348946.2(ABCB1):c.521G>A (p.Arg174Gln)

Gene: ABCB1 (ATP binding cassette subfamily B member 1; minus strand). Cytogenetic location: 7q21.12.
Variant type: single nucleotide variant.
Coding change: c.521G>A on transcript NM_001348946.2 (MANE Select); coding-DNA position 521, G replaced by A.
Protein change: p.Arg174Gln; replaces arginine 174 with glutamine.
Molecular consequence: missense variant.
Genome position (GRCh38, 1-based): chr7:87,566,794, C>T on the plus strand (G>A on the coding strand, the complement: ABCB1 is on the minus strand). VCF-style: chr7-87566794-C-T. GRCh37 (hg19) VCF-style: chr7-87196110-C-T.
Other names: c.521G>A, p.Arg174Gln (NM_000927.5, NM_001348944.2); c.731G>A, p.Arg244Gln (NM_001348945.2); c.521G>A (NM_000927.4); short protein forms R174Q, R244Q.
Identifiers: ClinVar variation 828615 (VCV000828615.4), dbSNP rs201280497, ClinGen allele CA4328573.
Genomic context (GRCh38, chr7:87,566,794, plus strand): 5'-TTACTAAGGATAAGAACGACACCCAAGTTCAACATAAAACTAAATACTTACTCTGTAAGT[C>T]GGGTGTTAAGCTCCCCAACATCGTGCACATCAAACCAGCCTATCTCCTGTCGCATTATAG-3'
Protein context (NP_001335875.1, residues 164-184): DVHDVGELNT[Arg174Gln]LTDDVSKINE